The following is an entry in ClinVar:

NM_001365999.1(SZT2):c.1831A>T (p.Arg611Trp)

Gene: SZT2 (SZT2 subunit of KICSTOR complex; plus strand). Cytogenetic location: 1p34.2.
Variant type: single nucleotide variant.
Coding change: c.1831A>T on transcript NM_001365999.1 (MANE Select); coding-DNA position 1831, A replaced by T.
Protein change: p.Arg611Trp; replaces arginine 611 with tryptophan.
Molecular consequence: missense variant.
Genome position (GRCh38, 1-based): chr1:43,422,541, A>T. VCF-style: chr1-43422541-A-T. GRCh37 (hg19) VCF-style: chr1-43888212-A-T.
Other names: c.1831A>T, p.Arg611Trp (NM_015284.4); short protein forms R611W.
Identifiers: ClinVar variation 1040524 (VCV001040524.6), dbSNP rs1047790599, ClinGen allele CA21630120.

ClinVar aggregate classification (germline): Uncertain significance (1 of 4 stars; one submission).

Allele frequency attached by ClinVar (database versions not stated): gnomAD exomes below 0.00001 and 0.00002; TOPMed below 0.00001.
gnomAD v4.1: 30 of 1,598,142 alleles (0.0019%); highest among the groups gnomAD compares: Non-Finnish European, 0.0025%; no homozygotes.

Submission:

Labcorp Genetics (formerly Invitae), Labcorp
Classification: Uncertain significance. Last evaluated: 2020-03-23. Review status: criteria provided, single submitter. Criteria: Invitae Variant Classification Sherloc (09022015). Collection method: clinical testing. Allele origin: germline.
Comment: This sequence change replaces arginine with tryptophan at codon 611 of the SZT2 protein (p.Arg611Trp). The arginine residue is weakly conserved and there is a moderate physicochemical difference between arginine and tryptophan. In summary, the available evidence is currently insufficient to determine the role of this variant in disease. Therefore, it has been classified as a Variant of Uncertain Significance. Algorithms developed to predict the effect of missense changes on protein structure and function are either unavailable or do not agree on the potential impact of this missense change (SIFT: "Deleterious"; PolyPhen-2: "Probably Damaging"; Align-GVGD: "Class C0"). This variant has not been reported in the literature in individuals with SZT2-related conditions. This variant is not present in population databases (ExAC no frequency).